The following is an entry in ClinVar:

ClinVar aggregate classification (germline): Uncertain significance (1 of 4 stars; one submission).

Submission:

Labcorp Genetics (formerly Invitae), Labcorp
Classification: Uncertain significance. Last evaluated: 2025-07-21. Review status: criteria provided, single submitter. Criteria: Invitae Variant Classification Sherloc (09022015). Collection method: clinical testing. Allele origin: germline.
Comment: This sequence change replaces glycine, which is neutral and non-polar, with arginine, which is basic and polar, at codon 504 of the PLEKHG2 protein (p.Gly504Arg). This variant is present in population databases (rs138776956, gnomAD 0.003%). This variant has not been reported in the literature in individuals affected with PLEKHG2-related conditions. ClinVar contains an entry for this variant (Variation ID: 3611640). An algorithm developed to predict the effect of missense changes on protein structure and function (PolyPhen-2) suggests that this variant is likely to be disruptive. In summary, the available evidence is currently insufficient to determine the role of this variant in disease. Therefore, it has been classified as a Variant of Uncertain Significance.

NM_022835.3(PLEKHG2):c.1510G>C (p.Gly504Arg)

Gene: PLEKHG2 (pleckstrin homology and RhoGEF domain containing G2; plus strand). Cytogenetic location: 19q13.2.
Variant type: single nucleotide variant.
Coding change: c.1510G>C on transcript NM_022835.3 (MANE Select); coding-DNA position 1510, G replaced by C.
Protein change: p.Gly504Arg; replaces glycine 504 with arginine.
Molecular consequence: missense variant.
Genome position (GRCh38, 1-based): chr19:39,422,121, G>C. VCF-style: chr19-39422121-G-C. GRCh37 (hg19) VCF-style: chr19-39912761-G-C.
Other names: c.1333G>C, p.Gly445Arg (NM_001351693.2); c.1510G>C, p.Gly504Arg (NM_001351694.2); short protein forms G445R, G504R.
Identifiers: ClinVar variation 3611640 (VCV003611640.2).